The following is an entry in ClinVar:

ClinVar aggregate classification (germline): Uncertain significance (1 of 4 stars; one submission).

Conditions:
Intellectual developmental disorder, X-linked 99. Also called: Intellectual disability, X-linked 99. Identifiers: Orphanet 777, MedGen C3806746, MONDO:0010487, OMIM 300919.

Submission:

Victorian Clinical Genetics Services, Murdoch Childrens Research Institute
Classification: Uncertain significance for Intellectual developmental disorder, X-linked 99. Last evaluated: 2025-09-23. Review status: criteria provided, single submitter. Criteria: ACMG Guidelines, 2015. Collection method: clinical testing. Allele origin: germline. Affected: yes.
Comment: This variant is classified as VUS-3B. Evidence in support of pathogenic classification: Variant is absent from gnomAD (v2, v3 and v4). Evidence in support of benign classification: Missense variant predicted to be tolerated by in silico tool(s) or not conserved in placental mammals with a minor amino acid change. Additional information: Variant is predicted to result in a missense amino acid change from Leu to Met; This variant is hemizygous; This gene is associated with both X-linked recessive and X-linked dominant disease. Partial loss of function variants are inherited in a X-linked recessive pattern, affecting predominantly males. Complete loss of function variants are inherited in a X-linked dominant pattern and are more severe, affecting only females (PMID: 31443933, 26833328); This variant has no previous evidence of pathogenicity; No published evidence of segregation with disease has been identified for this variant; No published functional evidence has been identified for this variant; No comparable missense variants have previous evidence for pathogenicity; Variant is located in the annotated ubiquitin carboxyl-terminal hydrolases, ubiquitin-like 1domain (DECIPHER); Loss of function is a known mechanism of disease in this gene and is associated with X-linked intellectual developmental disorder 99 (MIM#300919) and X-linked syndromic female-restricted intellectual developmental disorder 99 (MIM#300968).

Literature cited by the submitters: PubMed 26833328; PubMed 31443933.

NM_001039591.3(USP9X):c.2704T>A (p.Leu902Met)

Gene: USP9X (ubiquitin specific peptidase 9 X-linked; plus strand). Cytogenetic location: Xp11.4.
Variant type: single nucleotide variant.
Coding change: c.2704T>A on transcript NM_001039591.3 (MANE Select); coding-DNA position 2704, T replaced by A.
Protein change: p.Leu902Met; replaces leucine 902 with methionine.
Molecular consequence: missense variant.
Genome position (GRCh38, 1-based): chrX:41,170,062, T>A. VCF-style: chrX-41170062-T-A. GRCh37 (hg19) VCF-style: chrX-41029315-T-A.
Other names: c.2704T>A, p.Leu902Met (NM_001039590.3); c.2719T>A, p.Leu907Met (NM_001410748.1, NM_001410749.1, NM_001437534.1); short protein forms L902M, L907M.
Identifiers: ClinVar variation 4531314 (VCV004531314.1).
Genomic context (GRCh38, chrX:41,170,062, plus strand): 5'-CGCGGTAAACACCTCTCTTTTGTAGTTCGATTTCCAAACCAGGGCAGACAGGTTGATGAC[T>A]TGGAGGTATGGTCTCATACAAATGATACAATTGGTTCAGTACGACGATGTATTCTCAATC-3'
Protein context (NP_001034680.2, residues 892-912): FPNQGRQVDD[Leu902Met]EVWSHTNDTI